The following is an entry in ClinVar:

NM_001903.5(CTNNA1):c.968C>T (p.Ser323Phe)

Gene: CTNNA1 (catenin alpha 1; plus strand). Cytogenetic location: 5q31.2.
Variant type: single nucleotide variant.
Coding change: c.968C>T on transcript NM_001903.5 (MANE Select); coding-DNA position 968, C replaced by T.
Protein change: p.Ser323Phe; replaces serine 323 with phenylalanine.
Molecular consequence: missense variant.
Genome position (GRCh38, 1-based): chr5:138,827,624, C>T. VCF-style: chr5-138827624-C-T. GRCh37 (hg19) VCF-style: chr5-138163313-C-T.
Other names: c.968C>T (NM_001903.2); c.968C>T, p.Ser323Phe (NM_001290307.3, NM_001323982.2, NM_001323983.1 and 3 more transcripts); c.659C>T, p.Ser220Phe (NM_001290309.3); c.599C>T, p.Ser200Phe (NM_001290310.3); short protein forms S220F, S323F, S200F.
Identifiers: ClinVar variation 2126812 (VCV002126812.5), dbSNP rs1760852457, ClinGen allele CA361131014.
Genomic context (GRCh38, chr5:138,827,624, plus strand): 5'-CTTCCCTGGAGGAGCGTCTGGAAAGCATCATTAGTGGGGCTGCCTTGATGGCCGACTCGT[C>T]CTGCACGCGTGATGACCGTCGTGAGCGAATTGTGGCAGAGTGTAATGCTGTCCGCCAGGC-3'
Protein context (NP_001894.2, residues 313-333): ISGAALMADS[Ser323Phe]CTRDDRRERI

ClinVar aggregate classification (germline): Uncertain significance. Review status: criteria provided, multiple submitters, no conflicts (2 of 4 stars). 2 submissions from 2 submitters: Uncertain significance (2). Last evaluated 2026-06-03.

Conditions:
Hereditary cancer-predisposing syndrome. Also called: Tumor predisposition; Hereditary Cancer Syndrome; Hereditary neoplastic syndrome; Neoplastic Syndromes, Hereditary. Identifiers: Orphanet 140162, MedGen C0027672, MeSH D009386, MONDO:0015356.

Submissions (2):

Ambry Genetics
Classification: Uncertain significance for Hereditary cancer-predisposing syndrome. Last evaluated: 2026-06-03. Review status: criteria provided, single submitter. Criteria: Ambry Variant Classification Scheme 2023. Collection method: clinical testing. Allele origin: germline.
Comment: The p.S323F variant (also known as c.968C>T), located in coding exon 6 of the CTNNA1 gene, results from a C to T substitution at nucleotide position 968. The serine at codon 323 is replaced by phenylalanine, an amino acid with highly dissimilar properties. This amino acid position is conserved. In addition, this alteration is predicted to be deleterious by in silico analysis. Based on the available evidence, the clinical significance of this variant remains unclear.

Labcorp Genetics (formerly Invitae), Labcorp
Classification: Uncertain significance. Last evaluated: 2022-09-27. Review status: criteria provided, single submitter. Criteria: Invitae Variant Classification Sherloc (09022015). Collection method: clinical testing. Allele origin: germline.
Comment: This sequence change replaces serine, which is neutral and polar, with phenylalanine, which is neutral and non-polar, at codon 323 of the CTNNA1 protein (p.Ser323Phe). This variant is not present in population databases (gnomAD no frequency). This variant has not been reported in the literature in individuals affected with CTNNA1-related conditions. Advanced modeling of protein sequence and biophysical properties (such as structural, functional, and spatial information, amino acid conservation, physicochemical variation, residue mobility, and thermodynamic stability) performed at Invitae indicates that this missense variant is not expected to disrupt CTNNA1 protein function. In summary, the available evidence is currently insufficient to determine the role of this variant in disease. Therefore, it has been classified as a Variant of Uncertain Significance.